The following is an entry in ClinVar:

ClinVar aggregate classification (germline): Likely pathogenic (1 of 4 stars; one submission).

Conditions:
Dilated cardiomyopathy 1G (CMD1G). Identifiers: Orphanet 154, MedGen C1858763, MONDO:0011400, OMIM 604145.
Autosomal recessive limb-girdle muscular dystrophy type 2J (LGMDR10). Also called: Limb-girdle muscular dystrophy, type 2J; MUSCULAR DYSTROPHY, LIMB-GIRDLE, AUTOSOMAL RECESSIVE 10. Identifiers: Orphanet 140922, MedGen C1837342, MONDO:0012127, OMIM 608807.

Submission:

Labcorp Genetics (formerly Invitae), Labcorp
Classification: Likely pathogenic for Dilated cardiomyopathy 1G; Autosomal recessive limb-girdle muscular dystrophy type 2J. Last evaluated: 2024-09-11. Review status: criteria provided, single submitter. Criteria: Invitae Variant Classification Sherloc (09022015). Collection method: clinical testing. Allele origin: germline.
Comment: This sequence change creates a premature translational stop signal (p.Ser15318Cysfs*21) in the TTN gene. While this is not anticipated to result in nonsense mediated decay, it is expected to create a truncated TTN protein. This variant is not present in population databases (gnomAD no frequency). This variant has not been reported in the literature in individuals affected with TTN-related conditions. This variant is located in the I band of TTN (PMID: 25589632). Truncating variants in this region have been reported in individuals affected with autosomal recessive centronuclear myopathy (PMID: 23975875, internal data). Truncating variants in this region have also been identified in individuals affected with autosomal dominant dilated cardiomyopathy and/or cardio-related conditions (PMID: 27869827, 32964742, internal data). In summary, the currently available evidence indicates that the variant is pathogenic, but additional data are needed to prove that conclusively. Therefore, this variant has been classified as Likely Pathogenic.

Literature cited by the submitters: PubMed 25589632; PubMed 23975875; PubMed 27869827; PubMed 32964742.

NM_001267550.2(TTN):c.45953_45954del (p.Ser15318fs)

Gene: TTN (titin; minus strand). Cytogenetic location: 2q31.2.
Variant type: Deletion.
Coding change: c.45953_45954del on transcript NM_001267550.2 (MANE Select); coding-DNA positions 45953 to 45954, 2 bases deleted (CT; older notation c.45953_45954delCT).
Protein change: p.Ser15318fs; shifts the reading frame from serine 15318.
Molecular consequence: frameshift variant.
Genome position (GRCh38, 1-based): chr2:178,620,567-178,620,568, AG deleted on the plus strand (CT on the coding strand, the reverse complement: TTN is on the minus strand); deleting any 2 consecutive bases within chr2:178,620,567-178,620,569 gives the same sequence; the c. name uses the placement nearest the transcript's 3' end. VCF-style (leftmost placement, unchanged base first): chr2-178620566-CAG-C. GRCh37 (hg19) VCF-style: chr2-179485293-CAG-C.
Other names: c.41030_41031del, p.Ser13677fs (NM_001256850.1); c.18758_18759del, p.Ser6253fs (NM_003319.4); c.38249_38250del, p.Ser12750fs (NM_133378.4); c.19133_19134del, p.Ser6378fs (NM_133432.3); c.19334_19335del, p.Ser6445fs (NM_133437.4); short protein forms S12750fs, S13677fs, S15318fs, S6253fs, S6378fs, S6445fs.
Identifiers: ClinVar variation 3758601 (VCV003758601.2).